The following is an entry in ClinVar:

NM_004260.4(RECQL4):c.1928C>T (p.Thr643Ile)

Gene: RECQL4 (RecQ like helicase 4; minus strand). Cytogenetic location: 8q24.3.
Variant type: single nucleotide variant.
Coding change: c.1928C>T on transcript NM_004260.4 (MANE Select); coding-DNA position 1928, C replaced by T.
Protein change: p.Thr643Ile; replaces threonine 643 with isoleucine.
Molecular consequence: missense variant.
Genome position (GRCh38, 1-based): chr8:144,514,058, G>A on the plus strand (C>T on the coding strand, the complement: RECQL4 is on the minus strand). VCF-style: chr8-144514058-G-A. GRCh37 (hg19) VCF-style: chr8-145739442-G-A.
Other names: short protein forms T643I.
Identifiers: ClinVar variation 1041293 (VCV001041293.5), dbSNP rs1285078612, ClinGen allele CA372680467.
Genomic context (GRCh38, chr8:144,514,058, plus strand): 5'-TCAGGCTCTTCAGCCACAGCCAGGTGCTGTGCCACGTCACTGGCAGTGCGGCGTGTGGCT[G>A]TGGCTGTGAGGCCCAGGAAGCAGTGCACGCCCATGCGCTCCCGAAGCACCTGCACCAGAG-3'
Protein context (NP_004251.4, residues 633-653): GVHCFLGLTA[Thr643Ile]ATRRTASDVA

ClinVar aggregate classification (germline): Uncertain significance (1 of 4 stars; one submission).

Conditions:
Baller-Gerold syndrome (BGS). Also called: CRANIOSYNOSTOSIS WITH RADIAL DEFECTS. Identifiers: Orphanet 1225, MedGen C0265308, MONDO:0009039, OMIM 218600.

Submission:

Labcorp Genetics (formerly Invitae), Labcorp
Classification: Uncertain significance for Baller-Gerold syndrome. Last evaluated: 2020-09-30. Review status: criteria provided, single submitter. Criteria: Invitae Variant Classification Sherloc (09022015). Collection method: clinical testing. Allele origin: germline.
Comment: In summary, the available evidence is currently insufficient to determine the role of this variant in disease. Therefore, it has been classified as a Variant of Uncertain Significance. Experimental studies and prediction algorithms are not available or were not evaluated, and the functional significance of this variant is currently unknown. This variant has not been reported in the literature in individuals with RECQL4-related conditions. This variant is not present in population databases (ExAC no frequency). This sequence change replaces threonine with isoleucine at codon 643 of the RECQL4 protein (p.Thr643Ile). The threonine residue is highly conserved and there is a moderate physicochemical difference between threonine and isoleucine.